The following is an entry in ClinVar:

ClinVar aggregate classification (germline): Likely benign (1 of 4 stars; one submission).

gnomAD v4.1: 13 of 1,614,064 alleles (0.00081%); highest among the groups gnomAD compares: East Asian, 0.0067%; no homozygotes.

Submission:

CeGaT Center for Human Genetics Tuebingen
Classification: Likely benign. Last evaluated: 2026-08-01. Review status: criteria provided, single submitter. Criteria: CeGaT Center For Human Genetics Tuebingen Variant Classification Criteria Version 2. Collection method: clinical testing. Allele origin: germline. Affected: yes. Observed: 1 variant allele.
Comment: SPRED2: BP4, BP7

NM_181784.3(SPRED2):c.108C>T (p.Gly36=)

Gene: SPRED2 (sprouty related EVH1 domain containing 2; minus strand). Cytogenetic location: 2p14.
Variant type: single nucleotide variant.
Coding change: c.108C>T on transcript NM_181784.3 (MANE Select); coding-DNA position 108, C replaced by T.
Protein change: p.Gly36=; no amino-acid change (glycine 36 retained).
Molecular consequence: synonymous variant.
Genome position (GRCh38, 1-based): chr2:65,344,815, G>A on the plus strand (C>T on the coding strand, the complement: SPRED2 is on the minus strand). VCF-style: chr2-65344815-G-A. GRCh37 (hg19) VCF-style: chr2-65571949-G-A.
Other names: c.99C>T, p.Gly33= (NM_001128210.2).
Identifiers: ClinVar variation 5040663 (VCV005040663.1).